The following is an entry in ClinVar:

NM_006030.4(CACNA2D2):c.1389+73T>G

Gene: CACNA2D2 (calcium voltage-gated channel auxiliary subunit alpha2delta 2; minus strand). Cytogenetic location: 3p21.31.
Variant type: single nucleotide variant.
Coding change: c.1389+73T>G on transcript NM_006030.4 (MANE Select); 73 bases into the intron after coding-DNA position 1389, T replaced by G.
Molecular consequence: intron variant.
Genome position (GRCh38, 1-based): chr3:50,378,211, A>C on the plus strand (T>G on the coding strand, the complement: CACNA2D2 is on the minus strand). VCF-style: chr3-50378211-A-C. GRCh37 (hg19) VCF-style: chr3-50415642-A-C.
Other names: c.1182+73T>G (NM_001291101.1); c.1389+73T>G (NM_001005505.3, NM_001174051.3).
Identifiers: ClinVar variation 1286698 (VCV001286698.4), dbSNP rs12485286, ClinGen allele CA74614641.

ClinVar aggregate classification (germline): Benign. Review status: criteria provided, multiple submitters, no conflicts (2 of 4 stars). 3 submissions from 3 submitters: Benign (3). Last evaluated 2024-07-15.

Allele frequency attached by ClinVar (database versions not stated): ESP Exome Variant Server 0.04314; gnomAD 0.08412 and 0.08854; TOPMed 0.11043; gnomAD exomes 0.03219; 1000 Genomes Project 30x 0.19691; 1000 Genomes Project 0.20268.
gnomAD v4.1: 59,859 of 1,556,984 alleles (3.8%); highest among the groups gnomAD compares: East Asian, 55%; 11,096 homozygotes.

Submissions (3):

Unidad de Genómica Garrahan, Hospital de Pediatría Garrahan
Classification: Benign. Last evaluated: 2024-07-15. Review status: criteria provided, single submitter. Criteria: ACMG Guidelines, 2015. Collection method: clinical testing. Allele origin: germline. Affected: no. Observed: 42 variant alleles.
Comment: This variant is classified as Benign based on local population frequency. This variant was detected in 45% of patients studied in a panel designed for Epileptic and Developmental Encephalopathy and Progressive Myoclonus Epilepsy. Number of patients: 42. Only high quality variants are reported.

GeneDx
Classification: Benign. Last evaluated: 2021-05-10. Review status: criteria provided, single submitter. Criteria: GeneDx Variant Classification Process June 2021. Collection method: clinical testing. Allele origin: germline. Affected: yes.

Breakthrough Genomics
Classification: Benign. Review status: criteria provided, single submitter. Criteria: ACMG Guidelines, 2015. Collection method: not provided. Allele origin: germline. Inheritance: Autosomal recessive inheritance. Affected: yes.